The following is an entry in ClinVar:

ClinVar aggregate classification (germline): Uncertain significance (1 of 4 stars; one submission).

Conditions:
Spastic paraplegia. Identifiers: MedGen C0037772, HP:0001258.

Allele frequency attached by ClinVar (database versions not stated): gnomAD 0.00001; ExAC 0.00002; TOPMed 0.00002.
gnomAD v4.1: 25 of 1,614,130 alleles (0.0015%); highest among the groups gnomAD compares: Non-Finnish European, 0.002%; no homozygotes.

Submission:

Labcorp Genetics (formerly Invitae), Labcorp
Classification: Uncertain significance for Spastic paraplegia. Last evaluated: 2024-06-19. Review status: criteria provided, single submitter. Criteria: Invitae Variant Classification Sherloc (09022015). Collection method: clinical testing. Allele origin: germline.
Comment: This sequence change replaces tyrosine, which is neutral and polar, with histidine, which is basic and polar, at codon 63 of the ZFYVE27 protein (p.Tyr63His). This variant is present in population databases (rs760616920, gnomAD 0.003%). This variant has not been reported in the literature in individuals affected with ZFYVE27-related conditions. An algorithm developed to predict the effect of missense changes on protein structure and function (PolyPhen-2) suggests that this variant is likely to be disruptive. In summary, the available evidence is currently insufficient to determine the role of this variant in disease. Therefore, it has been classified as a Variant of Uncertain Significance.

NM_001385875.1(ZFYVE27):c.187T>C (p.Tyr63His)

Gene: ZFYVE27 (zinc finger FYVE-type containing 27; plus strand). Cytogenetic location: 10q24.2.
Variant type: single nucleotide variant.
Coding change: c.187T>C on transcript NM_001385875.1 (MANE Select); coding-DNA position 187, T replaced by C.
Protein change: p.Tyr63His; replaces tyrosine 63 with histidine.
Molecular consequence: missense variant. On other transcripts: non-coding transcript variant (11), intron variant (15), synonymous variant (8).
Genome position (GRCh38, 1-based): chr10:97,738,664, T>C. VCF-style: chr10-97738664-T-C. GRCh37 (hg19) VCF-style: chr10-99498421-T-C.
Other names: c.-8+15T>C (NM_001385890.1, NM_001385895.1, NM_001385897.1 and 2 more transcripts); c.172+15T>C (NM_001385888.1, NM_001385885.1, NM_001385887.1 and 1 more transcripts); c.-27+19T>C (NM_001385915.1); c.-8+1343T>C (NM_001385891.1, NM_001385894.1, NM_001385892.1 and 1 more transcripts); c.-27+1343T>C (NM_001174121.2); c.187T>C, p.Tyr63His (NM_001002261.4, NM_001002262.4, NM_001174120.2 and 20 more transcripts); c.21T>C, p.Asp7= (NM_001385899.1, NM_001385900.1, NM_001385903.1 and 5 more transcripts); short protein forms Y63H.
Identifiers: ClinVar variation 2720060 (VCV002720060.3), dbSNP rs760616920, ClinGen allele CA5635062.